The following is an entry in ClinVar:

ClinVar aggregate classification (germline): Uncertain significance. Review status: criteria provided, multiple submitters, no conflicts (2 of 4 stars). 3 submissions from 3 submitters: Uncertain significance (3). Last evaluated 2025-08-05.

Conditions:
Left ventricular noncompaction 1 (LVNC1). Also called: LEFT VENTRICULAR NONCOMPACTION 1 WITH OR WITHOUT CONGENITAL HEART DEFECTS. Identifiers: Orphanet 54260, MedGen C1858725, MONDO:0011403, OMIM 604169.

Allele frequency attached by ClinVar (database versions not stated): ExAC 0.00002; gnomAD 0.00004 and 0.00005; TOPMed 0.00006; ESP Exome Variant Server 0.00008.

Submissions (3):

Labcorp Genetics (formerly Invitae), Labcorp
Classification: Uncertain significance for Left ventricular noncompaction 1. Last evaluated: 2025-08-05. Review status: criteria provided, single submitter. Criteria: Invitae Variant Classification Sherloc (09022015). Collection method: clinical testing. Allele origin: germline.
Comment: This sequence change replaces arginine, which is basic and polar, with histidine, which is basic and polar, at codon 691 of the DTNA protein (p.Arg691His). This variant is present in population databases (rs111587625, gnomAD 0.02%). This variant has not been reported in the literature in individuals affected with DTNA-related conditions. ClinVar contains an entry for this variant (Variation ID: 382321). An algorithm developed to predict the effect of missense changes on protein structure and function outputs the following: PolyPhen-2: "Benign". The histidine amino acid residue is found in multiple mammalian species, which suggests that this missense change does not adversely affect protein function. In summary, the available evidence is currently insufficient to determine the role of this variant in disease. Therefore, it has been classified as a Variant of Uncertain Significance.

Fulgent Genetics
Classification: Uncertain significance for Left ventricular noncompaction 1. Last evaluated: 2022-01-12. Review status: criteria provided, single submitter. Criteria: ACMG Guidelines, 2015. Collection method: clinical testing. Allele origin: unknown.

GeneDx
Classification: Uncertain significance. Last evaluated: 2020-03-27. Review status: criteria provided, single submitter. Criteria: GeneDx Variant Classification Process June 2021. Collection method: clinical testing. Allele origin: germline. Affected: yes.
Comment: Has not been previously published as pathogenic or benign to our knowledge; In silico analysis supports that this missense variant does not alter protein structure/function

NM_001386795.1(DTNA):c.2153G>A (p.Arg718His)

Gene: DTNA (dystrobrevin alpha; plus strand). Cytogenetic location: 18q12.1.
Variant type: single nucleotide variant.
Coding change: c.2153G>A on transcript NM_001386795.1 (MANE Select); coding-DNA position 2153, G replaced by A.
Protein change: p.Arg718His; replaces arginine 718 with histidine.
Molecular consequence: missense variant.
Genome position (GRCh38, 1-based): chr18:34,879,710, G>A. VCF-style: chr18-34879710-G-A. GRCh37 (hg19) VCF-style: chr18-32459674-G-A.
Other names: c.1892G>A, p.Arg631His (NM_001198938.2, NM_001198940.2, NM_001386753.1 and 5 more transcripts); c.1913G>A, p.Arg638His (NM_001198939.2); c.1199G>A, p.Arg400His (NM_001198942.1); c.1142G>A, p.Arg381His (NM_001198943.1); c.1028G>A, p.Arg343His (NM_001198944.1); c.1982G>A, p.Arg661His (NM_001386754.1, NM_001386755.1, NM_001386756.1 and 3 more transcripts); c.1979G>A, p.Arg660His (NM_001386760.1); c.1901G>A, p.Arg634His (NM_001386761.1, NM_032975.4); and 5 more; short protein forms R634H, R691H, R400H, R631H, R339H, R343H, R381H, R638H.
Identifiers: ClinVar variation 382321 (VCV000382321.7), dbSNP rs111587625, ClinGen allele CA8935941.